The following is an entry in ClinVar:

NM_001606.5(ABCA2):c.3302G>A (p.Arg1101His)

Gene: ABCA2 (ATP binding cassette subfamily A member 2; minus strand). Cytogenetic location: 9q34.3.
Variant type: single nucleotide variant.
Coding change: c.3302G>A on transcript NM_001606.5 (MANE Select); coding-DNA position 3302, G replaced by A.
Protein change: p.Arg1101His; replaces arginine 1101 with histidine.
Molecular consequence: missense variant.
Genome position (GRCh38, 1-based): chr9:137,015,977, C>T on the plus strand (G>A on the coding strand, the complement: ABCA2 is on the minus strand). VCF-style: chr9-137015977-C-T. GRCh37 (hg19) VCF-style: chr9-139910429-C-T.
Other names: c.3299G>A, p.Arg1100His (NM_001411042.1); c.3392G>A, p.Arg1131His (NM_212533.3); short protein forms R1100H, R1101H, R1131H.
Identifiers: ClinVar variation 2429039 (VCV002429039.4), dbSNP rs1056944041, ClinGen allele CA375670412.

ClinVar aggregate classification (germline): Uncertain significance (1 of 4 stars; one submission).

Allele frequency attached by ClinVar (database versions not stated): gnomAD 0.00004; TOPMed 0.00005.
gnomAD v4.1: 62 of 1,275,188 alleles (0.0049%); highest among the groups gnomAD compares: East Asian, 0.013%; no homozygotes.

Submission:

Greenwood Genetic Center Diagnostic Laboratories, Greenwood Genetic Center
Classification: Uncertain significance. Last evaluated: 2022-12-19. Review status: criteria provided, single submitter. Criteria: ACMG Guidelines, 2015. Collection method: clinical testing. Allele origin: germline. Affected: yes.
Comment: PM2